The following is an entry in ClinVar:

ClinVar aggregate classification (germline): Likely benign. Review status: criteria provided, multiple submitters, no conflicts (2 of 4 stars). 6 submissions from 6 submitters: Likely benign (5). 1 of the submissions does not count toward it. Last evaluated 2026-09-01.

Conditions:
Cardiovascular phenotype. Identifiers: MedGen CN230736.
TTN-related disorder. Also called: TTN-related condition; TTN-related disease; TTN-related disorders.
Autosomal recessive limb-girdle muscular dystrophy type 2J (LGMDR10). Also called: MUSCULAR DYSTROPHY, LIMB-GIRDLE, AUTOSOMAL RECESSIVE 10; Limb-girdle muscular dystrophy, type 2J. Identifiers: Orphanet 140922, MedGen C1837342, MONDO:0012127, OMIM 608807.
Dilated cardiomyopathy 1G (CMD1G). Identifiers: Orphanet 154, MedGen C1858763, MONDO:0011400, OMIM 604145.
Cardiomyopathy (CMYO). Also called: Cardiomyopathies. Identifiers: Orphanet 167848, MedGen C0878544, MONDO:0004994, HP:0001638. Inheritance: Various modes of inheritance.

Allele frequency attached by ClinVar (database versions not stated): gnomAD exomes 0.00002 and 0.00006; ExAC 0.00009; ESP Exome Variant Server 0.00025; gnomAD 0.00026 and 0.00027; TOPMed 0.00028; 1000 Genomes Project 30x 0.00062; 1000 Genomes Project 0.00080.

Submissions (6):

CeGaT Center for Human Genetics Tuebingen
Classification: Likely benign. Last evaluated: 2026-09-01. Review status: criteria provided, single submitter. Criteria: CeGaT Center For Human Genetics Tuebingen Variant Classification Criteria Version 2. Collection method: clinical testing. Allele origin: germline. Affected: yes. Observed: 1 variant allele.
Comment: TTN: BP4, BP7

Labcorp Genetics (formerly Invitae), Labcorp
Classification: Likely benign for Dilated cardiomyopathy 1G; Autosomal recessive limb-girdle muscular dystrophy type 2J. Last evaluated: 2026-01-17. Review status: criteria provided, single submitter. Criteria: Invitae Variant Classification Sherloc (09022015). Collection method: clinical testing. Allele origin: germline.

Molecular Diagnostic Laboratory for Inherited Cardiovascular Disease, Montreal Heart Institute
Classification: Likely benign. Last evaluated: 2025-04-09. Review status: criteria provided, single submitter. Criteria: ACMG Guidelines, 2015. Collection method: clinical testing. Allele origin: germline. Affected: no.
Comment: BP7

Ambry Genetics
Classification: Likely benign for Cardiovascular phenotype. Last evaluated: 2016-11-03. Review status: criteria provided, single submitter. Criteria: Ambry Variant Classification Scheme 2023. Collection method: clinical testing. Allele origin: germline.

CHEO Genetics Diagnostic Laboratory, Children's Hospital of Eastern Ontario
Classification: Likely benign for Cardiomyopathy. Last evaluated: 2016-07-27. Review status: criteria provided, single submitter. Criteria: ACMG Guidelines, 2015. Collection method: clinical testing. Allele origin: germline. Study: Canadian Open Genetics Repository.

PreventionGenetics, part of Exact Sciences
Classification: Likely benign for TTN-related condition. Last evaluated: 2019-08-13. Review status: no assertion criteria provided. Collection method: clinical testing. Allele origin: germline. Not counted in ClinVar's aggregate classification.
Comment: This variant is classified as likely benign based on ACMG/AMP sequence variant interpretation guidelines (Richards et al. 2015 PMID: 25741868, with internal and published modifications).

NM_001267550.2(TTN):c.12204G>A (p.Glu4068=)

Gene: TTN (titin; minus strand). Cytogenetic location: 2q31.2.
Variant type: single nucleotide variant.
Coding change: c.12204G>A on transcript NM_001267550.2 (MANE Select); coding-DNA position 12204, G replaced by A.
Protein change: p.Glu4068=; no amino-acid change (glutamic acid 4068 retained).
Molecular consequence: synonymous variant. On other transcripts: intron variant (1).
Genome position (GRCh38, 1-based): chr2:178,741,029, C>T on the plus strand (G>A on the coding strand, the complement: TTN is on the minus strand). VCF-style: chr2-178741029-C-T. GRCh37 (hg19) VCF-style: chr2-179605756-C-T.
Other names: c.11253G>A, p.Glu3751= (NM_001256850.1); c.11115G>A, p.Glu3705= (NM_003319.4); c.11490G>A, p.Glu3830= (NM_133432.3); c.11691G>A, p.Glu3897= (NM_133437.4); c.10361-2669G>A (NM_133378.4).
Identifiers: ClinVar variation 518584 (VCV000518584.21), dbSNP rs137896107, ClinGen allele CA2002743.